The following is an entry in ClinVar:

ClinVar aggregate classification (germline): Uncertain significance (1 of 4 stars; one submission).

Conditions:
Cardiomyopathy (CMYO). Also called: Cardiomyopathies. Identifiers: Orphanet 167848, MedGen C0878544, MONDO:0004994, HP:0001638. Inheritance: Various modes of inheritance.

Submission:

Color Diagnostics, LLC DBA Color Health
Classification: Uncertain significance for Cardiomyopathy. Last evaluated: 2025-06-09. Review status: criteria provided, single submitter. Criteria: ACMG Guidelines, 2015. Collection method: clinical testing. Allele origin: germline.
Comment: This missense variant replaces glycine with arginine at codon 128 of the MYBPC3 protein. Computational prediction suggests that this variant may not impact protein structure and function. To our knowledge, functional studies have not been reported for this variant. This variant has not been reported in individuals affected with MYBPC3-related disorders in the literature. This variant has not been identified in the general population by the Genome Aggregation Database (gnomAD). The available evidence is insufficient to determine the role of this variant in disease conclusively. Therefore, this variant is classified as a Variant of Uncertain Significance.

NM_000256.3(MYBPC3):c.382G>C (p.Gly128Arg)

Gene: MYBPC3 (myosin binding protein C3; minus strand). Cytogenetic location: 11p11.2.
Variant type: single nucleotide variant.
Coding change: c.382G>C on transcript NM_000256.3 (MANE Select); coding-DNA position 382, G replaced by C.
Protein change: p.Gly128Arg; replaces glycine 128 with arginine.
Molecular consequence: missense variant.
Genome position (GRCh38, 1-based): chr11:47,350,526, C>G on the plus strand (G>C on the coding strand, the complement: MYBPC3 is on the minus strand). VCF-style: chr11-47350526-C-G. GRCh37 (hg19) VCF-style: chr11-47372077-C-G.
Other names: short protein forms G128R.
Identifiers: ClinVar variation 4756983 (VCV004756983.1).